The following is an entry in ClinVar:

ClinVar aggregate classification (germline): Benign. Review status: criteria provided, multiple submitters, no conflicts (2 of 4 stars). 2 submissions from 2 submitters: Benign (2). Last evaluated 2018-06-19.

Allele frequency attached by ClinVar (database versions not stated): gnomAD 0.39294 and 0.40215; TOPMed 0.40922; 1000 Genomes Project 0.48482; 1000 Genomes Project 30x 0.48673.
gnomAD v4.1: 61,134 of 152,004 alleles (40%); highest among the groups gnomAD compares: East Asian, 62%; 12,646 homozygotes.

Submissions (2):

GeneDx
Classification: Benign. Last evaluated: 2018-06-19. Review status: criteria provided, single submitter. Criteria: GeneDx Variant Classification (06012015). Collection method: clinical testing. Allele origin: germline. Affected: yes.
Comment: This variant is considered likely benign or benign based on one or more of the following criteria: it is a conservative change, it occurs at a poorly conserved position in the protein, it is predicted to be benign by multiple in silico algorithms, and/or has population frequency not consistent with disease.

Breakthrough Genomics
Classification: Benign. Review status: criteria provided, single submitter. Criteria: ACMG Guidelines, 2015. Collection method: not provided. Allele origin: germline. Inheritance: Autosomal recessive inheritance. Affected: yes.

NM_000046.5(ARSB):c.899-200A>G

Gene: ARSB (arylsulfatase B; minus strand). Cytogenetic location: 5q14.1.
Variant type: single nucleotide variant.
Coding change: c.899-200A>G on transcript NM_000046.5 (MANE Select); 200 bases into the intron before coding-DNA position 899, A replaced by G.
Molecular consequence: intron variant.
Genome position (GRCh38, 1-based): chr5:78,886,027, T>C on the plus strand (A>G on the coding strand, the complement: ARSB is on the minus strand). VCF-style: chr5-78886027-T-C. GRCh37 (hg19) VCF-style: chr5-78181850-T-C.
Other names: c.899-200A>G (NM_198709.3).
Identifiers: ClinVar variation 680475 (VCV000680475.2), dbSNP rs180049, ClinGen allele CA12029682.